The following is an entry in ClinVar:

ClinVar aggregate classification (germline): Uncertain significance (1 of 4 stars; one submission).

Conditions:
Inborn genetic diseases. Identifiers: MedGen C0950123, MeSH D030342.

Submission:

Ambry Genetics
Classification: Uncertain significance for Inborn genetic diseases. Last evaluated: 2025-04-11. Review status: criteria provided, single submitter. Criteria: Ambry Variant Classification Scheme 2023. Collection method: clinical testing. Allele origin: germline.
Comment: The p.E63V variant (also known as c.188A>T), located in coding exon 3 of the RECQL4 gene, results from an A to T substitution at nucleotide position 188. The glutamic acid at codon 63 is replaced by valine, an amino acid with dissimilar properties. This amino acid position is conserved. In addition, this alteration is predicted to be tolerated by in silico analysis. Based on the available evidence, the clinical significance of this variant remains unclear.

NM_004260.4(RECQL4):c.188A>T (p.Glu63Val)

Genes: RECQL4 (RecQ like helicase 4; minus strand), LOC130001411 (ATAC-STARR-seq lymphoblastoid silent region 19699; plus strand). Cytogenetic location: 8q24.3.
Variant type: single nucleotide variant.
Coding change: c.188A>T on transcript NM_004260.4 (MANE Select); coding-DNA position 188, A replaced by T.
Protein change: p.Glu63Val; replaces glutamic acid 63 with valine.
Molecular consequence: missense variant. On other transcripts: 5 prime UTR variant (16), non-coding transcript variant (3), intron variant (2).
Genome position (GRCh38, 1-based): chr8:144,517,439, T>A on the plus strand (A>T on the coding strand, the complement: RECQL4 is on the minus strand). VCF-style: chr8-144517439-T-A. GRCh37 (hg19) VCF-style: chr8-145742823-T-A.
Other names: c.188A>T, p.Glu63Val (NM_001413017.1, NM_001413018.1, NM_001413019.1 and 5 more transcripts); c.-533A>T (NM_001413021.1); c.-884A>T (NM_001413022.1, NM_001413023.1, NM_001413037.1 and 2 more transcripts); c.-781A>T (NM_001413024.1, NM_001413035.1); c.-946A>T (NM_001413027.1, NM_001413030.1, NM_001413031.1 and 1 more transcripts); c.-609A>T (NM_001413028.1); c.-843A>T (NM_001413032.1); c.-788A>T (NM_001413034.1); and 3 more; short protein forms E63V.
Identifiers: ClinVar variation 3944278 (VCV003944278.1).
Genomic context (GRCh38, chr8:144,517,439, plus strand): 5'-AGTGGGAGGAGGCTGGGGCGGCGGGGCCTGGGTACCTCTTCGGCCGCCGCGGGGAGCGAC[T>A]CGGAGCTGCGGAGCCCGCCGCCGGCCTGGCCCGTGGTACGCTTCAGAGTGCGGTATTCCC-3'
Protein context (NP_004251.4, residues 53-73): GQAGGGLRSS[Glu63Val]SLPAAAEEAP